The following is an entry in ClinVar:

ClinVar aggregate classification (germline): Benign. Review status: criteria provided, multiple submitters, no conflicts (2 of 4 stars). 2 submissions from 2 submitters: Benign (2). Last evaluated 2018-01-13.

Conditions:
Nail-patella syndrome (NPS). Also called: FONG DISEASE; ONYCHOOSTEODYSPLASIA; TURNER-KIESER SYNDROME. Identifiers: Orphanet 2614, MedGen C0027341, MONDO:0008061, OMIM 161200.

Allele frequency attached by ClinVar (database versions not stated): gnomAD 0.41745 and 0.43053; TOPMed 0.42563; gnomAD exomes 0.44737; 1000 Genomes Project 30x 0.52951; 1000 Genomes Project 0.54073.
gnomAD v4.1: 65,424 of 152,018 alleles (43%); highest among the groups gnomAD compares: East Asian, 85%; 14,837 homozygotes.

Submissions (2):

Illumina Laboratory Services, Illumina
Classification: Benign for Nail-patella syndrome. Last evaluated: 2018-01-13. Review status: criteria provided, single submitter. Criteria: ICSL Variant Classification Criteria 13 December 2019. Collection method: clinical testing. Allele origin: germline.
Comment: This variant was observed in the ICSL laboratory as part of a predisposition screen in an ostensibly healthy population. It had not been previously curated by ICSL or reported in the Human Gene Mutation Database (HGMD: prior to June 1st, 2018), and was therefore a candidate for classification through an automated scoring system. Utilizing variant allele frequency, disease prevalence and penetrance estimates, and inheritance mode, an automated score was calculated to assess if this variant is too frequent to cause the disease. Based on the score and internal cut-off values, a variant classified as benign is not then subjected to further curation. The score for this variant resulted in a classification of benign for this disease.

Breakthrough Genomics
Classification: Benign. Review status: criteria provided, single submitter. Criteria: ACMG Guidelines, 2015. Collection method: not provided. Allele origin: germline. Inheritance: Autosomal dominant inheritance. Affected: yes.

NM_001174147.2(LMX1B):c.*3771G>T

Gene: LMX1B (LIM homeobox transcription factor 1 beta; plus strand). Cytogenetic location: 9q33.3.
Variant type: single nucleotide variant.
Coding change: c.*3771G>T on transcript NM_001174147.2 (MANE Select); 3771 bases downstream of the stop codon, G replaced by T.
Molecular consequence: 3 prime UTR variant.
Genome position (GRCh38, 1-based): chr9:126,700,222, G>T. VCF-style: chr9-126700222-G-T. GRCh37 (hg19) VCF-style: chr9-129462501-G-T.
Other names: c.*3771G>T (NM_001174146.2, NM_002316.4).
Identifiers: ClinVar variation 364979 (VCV000364979.6), dbSNP rs10987417, ClinGen allele CA10628965.